The following is an entry in ClinVar:

NM_006648.4(WNK2):c.3176T>A (p.Leu1059Gln)

Gene: WNK2 (WNK lysine deficient protein kinase 2; plus strand). Cytogenetic location: 9q22.31.
Variant type: single nucleotide variant.
Coding change: c.3176T>A on transcript NM_006648.4 (MANE Select); coding-DNA position 3176, T replaced by A.
Protein change: p.Leu1059Gln; replaces leucine 1059 with glutamine.
Molecular consequence: missense variant.
Genome position (GRCh38, 1-based): chr9:93,261,923, T>A. VCF-style: chr9-93261923-T-A. GRCh37 (hg19) VCF-style: chr9-96024205-T-A.
Other names: c.3176T>A, p.Leu1059Gln (NM_001282394.3); short protein forms L1059Q.
Identifiers: ClinVar variation 3470632 (VCV003470632.1).

ClinVar aggregate classification (germline): Uncertain significance (1 of 4 stars; one submission).

Submission:

Ambry Genetics
Classification: Uncertain significance. Last evaluated: 2024-12-07. Review status: criteria provided, single submitter. Criteria: Ambry Variant Classification Scheme 2023. Collection method: clinical testing. Allele origin: germline.
Comment: The p.L1059Q variant (also known as c.3176T>A), located in coding exon 12 of the WNK2 gene, results from a T to A substitution at nucleotide position 3176. The leucine at codon 1059 is replaced by glutamine, an amino acid with dissimilar properties. This amino acid position is conserved. In addition, this alteration is predicted to be tolerated by in silico analysis. Based on the available evidence, the clinical significance of this variant remains unclear.